The following is an entry in ClinVar:

NM_201378.4(PLEC):c.70+14791G>A

Gene: PLEC (plectin; minus strand). Cytogenetic location: 8q24.3.
Variant type: single nucleotide variant.
Coding change: c.70+14791G>A on transcript NM_201378.4 (MANE Plus Clinical); 14791 bases into the intron after coding-DNA position 70, G replaced by A.
Molecular consequence: intron variant.
Genome position (GRCh38, 1-based): chr8:143,958,612, C>T on the plus strand (G>A on the coding strand, the complement: PLEC is on the minus strand). VCF-style: chr8-143958612-C-T. GRCh37 (hg19) VCF-style: chr8-145032780-C-T.
Other names: c.193+16565G>A (NM_001410941.1, NM_000445.5).
Identifiers: ClinVar variation 3250981 (VCV003250981.17), dbSNP rs2132842627.

ClinVar aggregate classification (germline): Uncertain significance (1 of 4 stars; one submission).

Allele frequency attached by ClinVar (database versions not stated): gnomAD 0.00001.

Submission:

CeGaT Center for Human Genetics Tuebingen
Classification: Uncertain significance. Last evaluated: 2024-06-01. Review status: criteria provided, single submitter. Criteria: CeGaT Center For Human Genetics Tuebingen Variant Classification Criteria Version 2. Collection method: clinical testing. Allele origin: germline. Affected: yes. Observed: 1 variant allele.
Comment: PLEC: PM2, BP4